The following is an entry in ClinVar:

NM_006445.4(PRPF8):c.3298A>C (p.Arg1100=)

Gene: PRPF8 (pre-mRNA processing factor 8; minus strand). Cytogenetic location: 17p13.3.
Variant type: single nucleotide variant.
Coding change: c.3298A>C on transcript NM_006445.4 (MANE Select); coding-DNA position 3298, A replaced by C.
Protein change: p.Arg1100=; no amino-acid change (arginine 1100 retained).
Molecular consequence: synonymous variant.
Genome position (GRCh38, 1-based): chr17:1,674,443, T>G on the plus strand (A>C on the coding strand, the complement: PRPF8 is on the minus strand). VCF-style: chr17-1674443-T-G. GRCh37 (hg19) VCF-style: chr17-1577737-T-G.
Identifiers: ClinVar variation 2110017 (VCV002110017.4), dbSNP rs2543762843, ClinGen allele CA497287796.

ClinVar aggregate classification (germline): Uncertain significance (1 of 4 stars; one submission).

Submission:

Labcorp Genetics (formerly Invitae), Labcorp
Classification: Uncertain significance. Last evaluated: 2022-04-03. Review status: criteria provided, single submitter. Criteria: Invitae Variant Classification Sherloc (09022015). Collection method: clinical testing. Allele origin: germline.
Comment: This variant is not present in population databases (gnomAD no frequency). This sequence change affects codon 1100 of the PRPF8 mRNA. It is a 'silent' change, meaning that it does not change the encoded amino acid sequence of the PRPF8 protein. It affects a nucleotide within the consensus splice site. This variant has not been reported in the literature in individuals affected with PRPF8-related conditions. Algorithms developed to predict the effect of sequence changes on RNA splicing suggest that this variant is not likely to affect RNA splicing. In summary, the available evidence is currently insufficient to determine the role of this variant in disease. Therefore, it has been classified as a Variant of Uncertain Significance.